The following is an entry in ClinVar:

NM_000382.3(ALDH3A2):c.920del (p.Asp307fs)

Gene: ALDH3A2 (aldehyde dehydrogenase 3 family member A2; plus strand). Cytogenetic location: 17p11.2.
Variant type: Deletion.
Coding change: c.920del on transcript NM_000382.3 (MANE Select); coding-DNA position 920, one base deleted (A; older notation c.920delA).
Protein change: p.Asp307fs; shifts the reading frame from aspartic acid 307.
Molecular consequence: frameshift variant.
Genome position (GRCh38, 1-based): chr17:19,661,248, A deleted. VCF-style (leftmost placement, unchanged base first): chr17-19661247-GA-G. GRCh37 (hg19) VCF-style: chr17-19564560-GA-G.
Other names: c.920del, p.Asp307fs (NM_001031806.2, NM_001369136.1, NM_001369137.2 and 3 more transcripts); c.341del, p.Asp114fs (NM_001369148.2); short protein forms D114fs, D307fs.
Identifiers: ClinVar variation 4818283 (VCV004818283.1).

ClinVar aggregate classification (germline): Likely pathogenic (1 of 4 stars; one submission).

Conditions:
Sjögren-Larsson syndrome (SLS). Also called: FALDH DEFICIENCY; FATTY ALCOHOL:NAD+ OXIDOREDUCTASE DEFICIENCY; FATTY ALDEHYDE DEHYDROGENASE DEFICIENCY; ICHTHYOSIS, SPASTIC NEUROLOGIC DISORDER, AND OLIGOPHRENIA. Identifiers: Orphanet 816, MedGen C0037231, MONDO:0010031, OMIM 270200.

Submission:

Natera, Inc.
Classification: Likely pathogenic for Sjögren-Larsson syndrome. Last evaluated: 2025-12-26. Review status: criteria provided, single submitter. Criteria: Natera Variant Classification Schema (03/2026). Collection method: clinical testing. Allele origin: germline.
Comment: The c.920del variant in ALDH3A2 is a frameshift variant predicted to shift the reading frame beginning at codon 307 and leads to a stop codon 7 codons downstream. This variant is expected to result in nonsense mediated decay, truncation, or a dysfunctional protein product. This variant is rare in the general population with a frequency below the threshold expected for the associated phenotype(s). Given the available evidence, this variant is classified as Likely Pathogenic.